The following is an entry in ClinVar:

ClinVar aggregate classification (germline): Conflicting classifications of pathogenicity. Review status: criteria provided, conflicting classifications (1 of 4 stars). 2 submissions from 2 submitters: Uncertain significance (1); Likely benign (1). Last evaluated 2026-09-06.

Conditions:
Cardiovascular phenotype. Identifiers: MedGen CN230736.
Long QT syndrome (LQTS). Identifiers: MedGen C0023976, MeSH D008133, MONDO:0002442. Disease mechanism: loss of function. Inheritance: Various modes of inheritance.

Allele frequency attached by ClinVar (database versions not stated): gnomAD exomes 0.00001; TOPMed 0.00001.
gnomAD v4.1: 16 of 1,613,208 alleles (0.00099%); highest among the groups gnomAD compares: Non-Finnish European, 0.0012%; no homozygotes.

Submissions (2):

Ambry Genetics
Classification: Likely benign for Cardiovascular phenotype. Last evaluated: 2026-09-06. Review status: criteria provided, single submitter. Criteria: Ambry Variant Classification Scheme 2023. Collection method: clinical testing. Allele origin: germline.

Labcorp Genetics (formerly Invitae), Labcorp
Classification: Uncertain significance for Long QT syndrome. Last evaluated: 2022-08-22. Review status: criteria provided, single submitter. Criteria: Invitae Variant Classification Sherloc (09022015). Collection method: clinical testing. Allele origin: germline.
Comment: In summary, the available evidence is currently insufficient to determine the role of this variant in disease. Therefore, it has been classified as a Variant of Uncertain Significance. Algorithms developed to predict the effect of missense changes on protein structure and function are either unavailable or do not agree on the potential impact of this missense change (SIFT: "Tolerated"; PolyPhen-2: "Possibly Damaging"; Align-GVGD: "Class C0"). ClinVar contains an entry for this variant (Variation ID: 840758). This variant has not been reported in the literature in individuals affected with CACNA1C-related conditions. This variant is present in population databases (no rsID available, gnomAD 0.002%). This sequence change replaces glutamic acid, which is acidic and polar, with lysine, which is basic and polar, at codon 772 of the CACNA1C protein (p.Glu772Lys).

NM_000719.7(CACNA1C):c.2314G>A (p.Glu772Lys)

Gene: CACNA1C (calcium voltage-gated channel subunit alpha1 C; plus strand). Cytogenetic location: 12p13.33.
Variant type: single nucleotide variant.
Coding change: c.2314G>A on transcript NM_000719.7 (MANE Select); coding-DNA position 2314, G replaced by A.
Protein change: p.Glu772Lys; replaces glutamic acid 772 with lysine.
Molecular consequence: missense variant.
Genome position (GRCh38, 1-based): chr12:2,584,592, G>A. VCF-style: chr12-2584592-G-A. GRCh37 (hg19) VCF-style: chr12-2693758-G-A.
Other names: c.2314G>A, p.Glu772Lys (NM_001129827.2, NM_001129829.2, NM_001129830.3 and 18 more transcripts); c.2305G>A, p.Glu769Lys (NM_001129844.2); short protein forms E769K, E772K.
Identifiers: ClinVar variation 840758 (VCV000840758.8), dbSNP rs1361366772, ClinGen allele CA383371534.